The following is an entry in ClinVar:

ClinVar aggregate classification (germline): Conflicting classifications of pathogenicity. Review status: criteria provided, conflicting classifications (1 of 4 stars). 10 submissions from 10 submitters: Uncertain significance (2); Likely benign (6). 2 of the submissions do not count toward it. Last evaluated 2026-07-01.

Conditions:
PEX1-related disorder. Also called: PEX1-related condition.
Zellweger spectrum disorders (ZS). Also called: Zellweger Spectrum Disorder; Zellweger Spectrum; Zellweger syndrome; Zellweger Spectrum Disorder (ZSD). Identifiers: Orphanet 912, MedGen C0043459, MONDO:0019609.
Peroxisome biogenesis disorder 1A (Zellweger) (PBD1A). Also called: Zellweger leukodystrophy; Peroxisome biogenesis disorder 1a. Identifiers: MedGen C4721541, MONDO:0008953, OMIM 214100.

Allele frequency attached by ClinVar (database versions not stated): 1000 Genomes Project 0.00020; 1000 Genomes Project 30x 0.00031; gnomAD exomes 0.00051 and 0.00083; ExAC 0.00058; ESP Exome Variant Server 0.00069; gnomAD 0.00069; TOPMed 0.00071.
gnomAD v4.1: 1,324 of 1,600,362 alleles (0.083%); highest among the groups gnomAD compares: Non-Finnish European, 0.1%; no homozygotes.

Submissions (10):

CeGaT Center for Human Genetics Tuebingen
Classification: Likely benign. Last evaluated: 2026-07-01. Review status: criteria provided, single submitter. Criteria: CeGaT Center For Human Genetics Tuebingen Variant Classification Criteria Version 2. Collection method: clinical testing. Allele origin: germline. Affected: yes. Observed: 5 variant alleles.
Comment: PEX1: BP4, BP7

Labcorp Genetics (formerly Invitae), Labcorp
Classification: Likely benign for Zellweger spectrum disorders. Last evaluated: 2026-01-27. Review status: criteria provided, single submitter. Criteria: Invitae Variant Classification Sherloc (09022015). Collection method: clinical testing. Allele origin: germline.

Mayo Clinic Laboratories, Mayo Clinic
Classification: Likely benign. Last evaluated: 2025-07-09. Review status: criteria provided, single submitter. Criteria: ACMG Guidelines, 2015. Collection method: clinical testing. Allele origin: germline. Observed: 2 variant alleles.
Comment: BP4, BP7

Blueprint Genetics
Classification: Likely benign. Last evaluated: 2024-11-04. Review status: criteria provided, single submitter. Criteria: ACMG Guidelines, 2015. Collection method: clinical testing. Allele origin: germline.

ARUP Laboratories, Molecular Genetics and Genomics, ARUP Laboratories
Classification: Likely benign. Last evaluated: 2024-05-21. Review status: criteria provided, single submitter. Criteria: ARUP Molecular Germline Variant Investigation Process 2024. Collection method: clinical testing. Allele origin: germline.

Genetic Services Laboratory, University of Chicago
Classification: Likely benign. Last evaluated: 2021-02-17. Review status: criteria provided, single submitter. Criteria: ACMG Guidelines, 2015. Collection method: clinical testing. Allele origin: germline. Affected: no.

Eurofins Ntd Llc (ga)
Classification: Uncertain significance. Last evaluated: 2018-07-16. Review status: criteria provided, single submitter. Criteria: EGL ClinVar v180209 classification definitions. Collection method: clinical testing. Allele origin: germline. Observed: 5 variant alleles, 5 heterozygotes.

Illumina Laboratory Services, Illumina
Classification: Uncertain significance for Peroxisome biogenesis disorder 1A (Zellweger). Last evaluated: 2018-01-13. Review status: criteria provided, single submitter. Criteria: ICSL Variant Classification Criteria 13 December 2019. Collection method: clinical testing. Allele origin: germline.

Natera, Inc.
Classification: Likely benign for Zellweger syndrome. Last evaluated: 2020-04-15. Review status: no assertion criteria provided. Collection method: clinical testing. Allele origin: germline. Not counted in ClinVar's aggregate classification.

PreventionGenetics, part of Exact Sciences
Classification: Likely benign for PEX1-related condition. Last evaluated: 2019-08-07. Review status: no assertion criteria provided. Collection method: clinical testing. Allele origin: germline. Not counted in ClinVar's aggregate classification.
Comment: This variant is classified as likely benign based on ACMG/AMP sequence variant interpretation guidelines (Richards et al. 2015 PMID: 25741868, with internal and published modifications).

NM_000466.3(PEX1):c.3216T>C (p.Ser1072=)

Genes: GATAD1 (GATA zinc finger domain containing 1; plus strand), PEX1 (peroxisomal biogenesis factor 1; minus strand). Cytogenetic location: 7q21.2.
Variant type: single nucleotide variant.
Coding change: c.3216T>C on transcript NM_000466.3 (MANE Select); coding-DNA position 3216, T replaced by C.
Protein change: p.Ser1072=; no amino-acid change (serine 1072 retained).
Molecular consequence: synonymous variant.
Genome position (GRCh38, 1-based): chr7:92,491,494, A>G on the plus strand (T>C on the coding strand, the complement: PEX1 is on the minus strand). VCF-style: chr7-92491494-A-G. GRCh37 (hg19) VCF-style: chr7-92120808-A-G.
Other names: p.Ser1072=; c.3045T>C, p.Ser1015= (NM_001282677.2); c.2592T>C, p.Ser864= (NM_001282678.2).
Identifiers: ClinVar variation 594749 (VCV000594749.65), dbSNP rs140963147, ClinGen allele CA4340868.